The following is an entry in ClinVar:

ClinVar aggregate classification (germline): Uncertain significance. Review status: criteria provided, multiple submitters, no conflicts (2 of 4 stars). 2 submissions from 2 submitters: Uncertain significance (2). Last evaluated 2025-04-19.

Conditions:
Cardiovascular phenotype. Identifiers: MedGen CN230736.
Lethal congenital glycogen storage disease of heart. Also called: GLYCOGEN STORAGE DISEASE OF HEART; PHOSPHORYLASE KINASE DEFICIENCY OF HEART. Identifiers: Orphanet 439854, MedGen C1849813, MONDO:0009867, OMIM 261740.

Submissions (2):

Labcorp Genetics (formerly Invitae), Labcorp
Classification: Uncertain significance for Lethal congenital glycogen storage disease of heart. Last evaluated: 2025-04-19. Review status: criteria provided, single submitter. Criteria: Invitae Variant Classification Sherloc (09022015). Collection method: clinical testing. Allele origin: germline.
Comment: This variant, c.699_701dup, results in the insertion of 1 amino acid(s) of the PRKAG2 protein (p.Ala234dup), but otherwise preserves the integrity of the reading frame. This variant is present in population databases (no rsID available, gnomAD 0.01%). This variant has not been reported in the literature in individuals affected with PRKAG2-related conditions. Experimental studies and prediction algorithms are not available or were not evaluated, and the functional significance of this variant is currently unknown. In summary, the available evidence is currently insufficient to determine the role of this variant in disease. Therefore, it has been classified as a Variant of Uncertain Significance.

Ambry Genetics
Classification: Uncertain significance for Cardiovascular phenotype. Last evaluated: 2022-11-28. Review status: criteria provided, single submitter. Criteria: Ambry Variant Classification Scheme 2023. Collection method: clinical testing. Allele origin: germline.
Comment: The c.699_701dupGGC variant (also known as p.A234dup), located in coding exon 5 of the PRKAG2 gene, results from an in-frame duplication of GGC at nucleotide positions 699 to 701. This results in the duplication of an extra residue between codons 234 and 235. This amino acid position is well conserved in available vertebrate species. In addition, this alteration is predicted to be neutral by in silico analysis (Choi Y et al. PLoS ONE. 2012; 7(10):e46688). Since supporting evidence is limited at this time, the clinical significance of this alteration remains unclear.

NM_016203.4(PRKAG2):c.693GGC[4] (p.Ala234dup)

Genes: PRKAG2 (protein kinase AMP-activated non-catalytic subunit gamma 2; minus strand), LOC129999660 (ATAC-STARR-seq lymphoblastoid silent region 18823; plus strand). Cytogenetic location: 7q36.1.
Variant type: Microsatellite.
Coding change: c.693GGC[4] on transcript NM_016203.4 (MANE Select); four copies in a row of the 3-base unit GGC starting at c.693; the reference has three copies in a row; one copy, 3 bases duplicated.
Protein change: p.Ala234dup; duplicates alanine 234.
Molecular consequence: inframe insertion. On other transcripts: 5 prime UTR variant (2).
Genome position (GRCh38, 1-based): chr7:151,632,122-151,632,124, GCC duplicated on the plus strand (GGC on the coding strand, the reverse complement: PRKAG2 is on the minus strand); duplicating any 3 consecutive bases within chr7:151,632,122-151,632,130 gives the same sequence; the position shown is the placement nearest the transcript's 3' end. VCF-style (leftmost placement, unchanged base first): chr7-151632121-G-GGCC. GRCh37 (hg19) VCF-style: chr7-151329207-G-GGCC.
Other names: c.561GGC[4], p.Ala190dup (NM_001040633.2); c.321GGC[4], p.Ala110dup (NM_001304527.2, NM_001363698.2); c.-31GGC[4] (NM_001304531.2, NM_024429.2).
Identifiers: ClinVar variation 241097 (VCV000241097.10), dbSNP rs878855020, ClinGen allele CA10582472.